The following is an entry in ClinVar:

NM_003482.4(KMT2D):c.15214A>G (p.Thr5072Ala)

Gene: KMT2D (lysine methyltransferase 2D; minus strand). Cytogenetic location: 12q13.12.
Variant type: single nucleotide variant.
Coding change: c.15214A>G on transcript NM_003482.4 (MANE Select); coding-DNA position 15214, A replaced by G.
Protein change: p.Thr5072Ala; replaces threonine 5072 with alanine.
Molecular consequence: missense variant.
Genome position (GRCh38, 1-based): chr12:49,026,752, T>C on the plus strand (A>G on the coding strand, the complement: KMT2D is on the minus strand). VCF-style: chr12-49026752-T-C. GRCh37 (hg19) VCF-style: chr12-49420535-T-C.
Other names: short protein forms T5072A.
Identifiers: ClinVar variation 3361067 (VCV003361067.1).

ClinVar aggregate classification (germline): Uncertain significance (1 of 4 stars; one submission).

Submission:

GeneDx
Classification: Uncertain significance. Last evaluated: 2023-07-18. Review status: criteria provided, single submitter. Criteria: GeneDx Variant Classification Process June 2021. Collection method: clinical testing. Allele origin: germline. Affected: yes.
Comment: Not observed at significant frequency in large population cohorts (gnomAD); In silico analysis supports that this missense variant has a deleterious effect on protein structure/function; Has not been previously published as pathogenic or benign to our knowledge